The following is an entry in ClinVar:

NM_000548.5(TSC2):c.3080T>C (p.Leu1027Pro)

Gene: TSC2 (TSC complex subunit 2; plus strand). Cytogenetic location: 16p13.3.
Variant type: single nucleotide variant.
Coding change: c.3080T>C on transcript NM_000548.5 (MANE Select); coding-DNA position 3080, T replaced by C.
Protein change: p.Leu1027Pro; replaces leucine 1027 with proline.
Molecular consequence: missense variant.
Genome position (GRCh38, 1-based): chr16:2,079,145, T>C. VCF-style: chr16-2079145-T-C. GRCh37 (hg19) VCF-style: chr16-2129146-T-C.
Other names: c.2948T>C, p.Leu983Pro (NM_001077183.3, NM_001370404.1); c.3080T>C, p.Leu1027Pro (NM_001114382.3); c.2840T>C, p.Leu947Pro (NM_001318827.2); c.2804T>C, p.Leu935Pro (NM_001318829.2); c.2348T>C, p.Leu783Pro (NM_001318831.2); c.2981T>C, p.Leu994Pro (NM_001318832.2); c.2951T>C, p.Leu984Pro (NM_001363528.2, NM_001370405.1, NM_021055.3); short protein forms L1027P, L783P, L935P, L983P, L984P, L994P, L947P.
Identifiers: ClinVar variation 49874 (VCV000049874.9), dbSNP rs45438192, ClinGen allele CA018468.
Genomic context (GRCh38, chr16:2,079,145, plus strand): 5'-CCGTGGCCCAGGCTGACGATAGCCTGAAAAACCTCCACCTGGAGCTCACGGAAACCTGTC[T>C]GGACATGATGGCTCGATACGTCTTCTCCAACTTCACGGCTGTCCCGAAGAGGTCCAGGCG-3'
Protein context (NP_000539.2, residues 1017-1037): NLHLELTETC[Leu1027Pro]DMMARYVFSN

ClinVar aggregate classification (germline): Pathogenic. Review status: criteria provided, single submitter (1 of 4 stars). 2 submissions from 2 submitters: Pathogenic (1). 1 of the submissions does not count toward it. Last evaluated 2025-08-21.

Conditions:
Tuberous sclerosis 2 (TSC2). Identifiers: Orphanet 805, MedGen C1860707, MONDO:0013199, OMIM 613254.
Tuberous sclerosis syndrome (TSC). Also called: Tuberous Sclerosis Complex; Tuberous sclerosis. Identifiers: Orphanet 805, MedGen C0041341, MONDO:0001734.

Submissions (2):

Labcorp Genetics (formerly Invitae), Labcorp
Classification: Pathogenic for Tuberous sclerosis 2. Last evaluated: 2025-08-21. Review status: criteria provided, single submitter. Criteria: Invitae Variant Classification Sherloc (09022015). Collection method: clinical testing. Allele origin: germline.
Comment: This sequence change replaces leucine, which is neutral and non-polar, with proline, which is neutral and non-polar, at codon 1027 of the TSC2 protein (p.Leu1027Pro). This variant is not present in population databases (gnomAD no frequency). This missense change has been observed in individual(s) with clinical features of tuberous sclerosis complex (PMID: 15595939, 35870981; internal data). In at least one individual the variant was observed to be de novo. ClinVar contains an entry for this variant (Variation ID: 49874). Invitae Evidence Modeling of protein sequence and biophysical properties (such as structural, functional, and spatial information, amino acid conservation, physicochemical variation, residue mobility, and thermodynamic stability) has been performed for this missense variant. However, the output from this modeling did not meet the statistical confidence thresholds required to predict the impact of this variant on TSC2 protein function. For these reasons, this variant has been classified as Pathogenic.

Tuberous sclerosis database (TSC2)
No classification provided. Condition: TSC. Review status: no classification provided. Criteria: Tuberous Sclerosis Database Assertion Criteria 2015. Collection method: curation. Allele origin: germline. Affected: yes. Not counted in ClinVar's aggregate classification.

Literature cited by the submitters: PubMed 15595939 (cited by Labcorp Genetics (formerly Invitae), Labcorp); PubMed 35870981 (cited by Labcorp Genetics (formerly Invitae), Labcorp).